The following is an entry in ClinVar:

ClinVar aggregate classification (germline): Uncertain significance (1 of 4 stars; one submission).

Allele frequency attached by ClinVar (database versions not stated): gnomAD exomes below 0.00001; TOPMed below 0.00001; ExAC 0.00001.

Submission:

Labcorp Genetics (formerly Invitae), Labcorp
Classification: Uncertain significance. Last evaluated: 2022-05-25. Review status: criteria provided, single submitter. Criteria: Invitae Variant Classification Sherloc (09022015). Collection method: clinical testing. Allele origin: germline.
Comment: This sequence change replaces arginine, which is basic and polar, with cysteine, which is neutral and slightly polar, at codon 717 of the CTDP1 protein (p.Arg717Cys). The frequency data for this variant in the population databases is considered unreliable, as metrics indicate poor data quality at this position in the gnomAD database. In summary, the available evidence is currently insufficient to determine the role of this variant in disease. Therefore, it has been classified as a Variant of Uncertain Significance. Algorithms developed to predict the effect of missense changes on protein structure and function are either unavailable or do not agree on the potential impact of this missense change (SIFT: "Deleterious"; PolyPhen-2: "Probably Damaging"; Align-GVGD: "Class C15"). This variant has not been reported in the literature in individuals affected with CTDP1-related conditions.

NM_004715.5(CTDP1):c.2149C>T (p.Arg717Cys)

Gene: CTDP1 (CTD phosphatase subunit 1; plus strand). Cytogenetic location: 18q23.
Variant type: single nucleotide variant.
Coding change: c.2149C>T on transcript NM_004715.5 (MANE Select); coding-DNA position 2149, C replaced by T.
Protein change: p.Arg717Cys; replaces arginine 717 with cysteine.
Molecular consequence: missense variant.
Genome position (GRCh38, 1-based): chr18:79,717,615, C>T. VCF-style: chr18-79717615-C-T. GRCh37 (hg19) VCF-style: chr18-77477615-C-T.
Other names: c.1792C>T, p.Arg598Cys (NM_001202504.1); c.2149C>T, p.Arg717Cys (NM_001318511.2, NM_048368.4); short protein forms R598C, R717C.
Identifiers: ClinVar variation 1977562 (VCV001977562.5), dbSNP rs778313215, ClinGen allele CA9010473.